The following is an entry in ClinVar:

ClinVar aggregate classification (germline): Likely benign (0 of 4 stars; one submission).

Conditions:
SETBP1-related disorder. Also called: SETBP1-related condition; SETBP1-related disorders.

Submission:

PreventionGenetics, part of Exact Sciences
Classification: Likely benign for SETBP1-related condition. Last evaluated: 2020-01-18. Review status: no assertion criteria provided. Collection method: clinical testing. Allele origin: germline.
Comment: This variant is classified as likely benign based on ACMG/AMP sequence variant interpretation guidelines (Richards et al. 2015 PMID: 25741868, with internal and published modifications).

NM_015559.3(SETBP1):c.4605A>C (p.Pro1535=)

Gene: SETBP1 (SET binding protein 1; plus strand). Cytogenetic location: 18q12.3.
Variant type: single nucleotide variant.
Coding change: c.4605A>C on transcript NM_015559.3 (MANE Select); coding-DNA position 4605, A replaced by C.
Protein change: p.Pro1535=; no amino-acid change (proline 1535 retained).
Molecular consequence: synonymous variant.
Genome position (GRCh38, 1-based): chr18:45,063,512, A>C. VCF-style: chr18-45063512-A-C. GRCh37 (hg19) VCF-style: chr18-42643477-A-C.
Other names: c.4605A>C, p.Pro1535= (NM_001379141.1, NM_001379142.1); c.4434A>C, p.Pro1478= (NM_001410862.1).
Identifiers: ClinVar variation 3037672 (VCV003037672.2), dbSNP rs1219474950, ClinGen allele CA503898446.